The following is an entry in ClinVar:

NM_000138.5(FBN1):c.5622C>T (p.Cys1874=)

Gene: FBN1 (fibrillin 1; minus strand). Cytogenetic location: 15q21.1.
Variant type: single nucleotide variant.
Coding change: c.5622C>T on transcript NM_000138.5 (MANE Select); coding-DNA position 5622, C replaced by T.
Protein change: p.Cys1874=; no amino-acid change (cysteine 1874 retained).
Molecular consequence: synonymous variant.
Genome position (GRCh38, 1-based): chr15:48,448,817, G>A on the plus strand (C>T on the coding strand, the complement: FBN1 is on the minus strand). VCF-style: chr15-48448817-G-A. GRCh37 (hg19) VCF-style: chr15-48741014-G-A.
Other names: c.5622C>T, p.Cys1874= (NM_001406716.1).
Identifiers: ClinVar variation 3386781 (VCV003386781.2).

ClinVar aggregate classification (germline): Likely benign. Review status: criteria provided, multiple submitters, no conflicts (2 of 4 stars). 2 submissions from 2 submitters: Likely benign (2). Last evaluated 2025-02-26.

Conditions:
Marfan syndrome (MFS). Also called: MARFAN SYNDROME, TYPE I; Marfan syndrome type 1; Marfan's syndrome; FBN1-Related Marfan Syndrome; Marfan syndrome, classic. Identifiers: Orphanet 284963, Orphanet 558, MedGen C0024796, MONDO:0007947, OMIM 154700.
Familial thoracic aortic aneurysm and aortic dissection (TAAD). Also called: Thoracic aortic aneurysms and dissections. Identifiers: Orphanet 91387, MedGen C4707243, MONDO:0019625.

Submissions (2):

Labcorp Genetics (formerly Invitae), Labcorp
Classification: Likely benign for Marfan syndrome; Familial thoracic aortic aneurysm and aortic dissection. Last evaluated: 2025-02-26. Review status: criteria provided, single submitter. Criteria: Invitae Variant Classification Sherloc (09022015). Collection method: clinical testing. Allele origin: germline.

All of Us Research Program, National Institutes of Health
Classification: Likely benign for Marfan syndrome. Last evaluated: 2024-05-30. Review status: criteria provided, single submitter. Criteria: ACMG Guidelines, 2015. Collection method: clinical testing. Allele origin: germline. Inheritance: Autosomal dominant inheritance. Observed: 1 variant allele, 1 heterozygote.
Comment: This study involves interpretation of variants in research participants for the purpose of population health screening. Participant phenotype was not available at the time of variant classification. Additional details can be found in publication PMID: 35346344, PMCID: PMC8962531